The following is an entry in ClinVar:

ClinVar aggregate classification (germline): Benign/Likely benign. Review status: criteria provided, multiple submitters, no conflicts (2 of 4 stars). 7 submissions from 7 submitters: Benign (3); Likely benign (4). Last evaluated 2026-09-01.

Conditions:
Congenital disorder of glycosylation, type Ii. Also called: CDG Ii; ALG2-congenital disorder of glycosylation; ALG2-CDG. Identifiers: Orphanet 79326, MedGen C1842836, MONDO:0011933, OMIM 607906.
Congenital myasthenic syndrome 14. Also called: Myasthenic syndrome, congenital, 14, with tubular aggregates. Identifiers: Orphanet 353327, Orphanet 590, MedGen C4015597, MONDO:0014543, OMIM 616228.

Allele frequency attached by ClinVar (database versions not stated): 1000 Genomes Project 30x 0.00141; 1000 Genomes Project 0.00160; TOPMed 0.00380; ESP Exome Variant Server 0.00392.

Submissions (7):

CeGaT Center for Human Genetics Tuebingen
Classification: Likely benign. Last evaluated: 2026-09-01. Review status: criteria provided, single submitter. Criteria: CeGaT Center For Human Genetics Tuebingen Variant Classification Criteria Version 2. Collection method: clinical testing. Allele origin: germline. Affected: yes. Observed: 15 variant alleles.
Comment: ALG2: BP4, BP7, BS2

Labcorp Genetics (formerly Invitae), Labcorp
Classification: Benign for Congenital disorder of glycosylation, type Ii; Congenital myasthenic syndrome 14. Last evaluated: 2026-01-27. Review status: criteria provided, single submitter. Criteria: Invitae Variant Classification Sherloc (09022015). Collection method: clinical testing. Allele origin: germline.

Mayo Clinic Laboratories, Mayo Clinic
Classification: Benign. Last evaluated: 2022-12-23. Review status: criteria provided, single submitter. Criteria: ACMG Guidelines, 2015. Collection method: clinical testing. Allele origin: germline. Observed: 1 variant allele.
Comment: BS1, BS2, BP4, BP7

Fulgent Genetics
Classification: Likely benign for Congenital disorder of glycosylation, type Ii; Congenital myasthenic syndrome 14. Last evaluated: 2021-11-03. Review status: criteria provided, single submitter. Criteria: ACMG Guidelines, 2015. Collection method: clinical testing. Allele origin: unknown.

GeneDx
Classification: Benign. Last evaluated: 2021-01-12. Review status: criteria provided, single submitter. Criteria: GeneDx Variant Classification Process June 2021. Collection method: clinical testing. Allele origin: germline. Affected: yes.

Eurofins Ntd Llc (ga)
Classification: Likely benign. Last evaluated: 2018-01-12. Review status: criteria provided, single submitter. Criteria: EGL Classification Definitions 2015. Collection method: clinical testing. Allele origin: germline. Observed: 3 variant alleles, 3 heterozygotes.

Breakthrough Genomics
Classification: Likely benign. Review status: criteria provided, single submitter. Criteria: ACMG Guidelines, 2015. Collection method: not provided. Allele origin: germline. Inheritance: Autosomal recessive inheritance. Affected: yes.

NM_033087.4(ALG2):c.760T>C (p.Leu254=)

Gene: ALG2 (ALG2 alpha-1,3/1,6-mannosyltransferase; minus strand). Cytogenetic location: 9q22.33.
Variant type: single nucleotide variant.
Coding change: c.760T>C on transcript NM_033087.4 (MANE Select); coding-DNA position 760, T replaced by C.
Protein change: p.Leu254=; no amino-acid change (leucine 254 retained).
Molecular consequence: synonymous variant. On other transcripts: non-coding transcript variant (1).
Genome position (GRCh38, 1-based): chr9:99,218,425, A>G on the plus strand (T>C on the coding strand, the complement: ALG2 is on the minus strand). VCF-style: chr9-99218425-A-G. GRCh37 (hg19) VCF-style: chr9-101980707-A-G.
Other names: p.Leu254=.
Identifiers: ClinVar variation 96238 (VCV000096238.42), dbSNP rs62562374, ClinGen allele CA223851.